The following is an entry in ClinVar:

ClinVar aggregate classification (germline): Likely pathogenic. Review status: criteria provided, multiple submitters, no conflicts (2 of 4 stars). 2 submissions from 2 submitters: Likely pathogenic (2). Last evaluated 2023-11-09.

Conditions:
Bardet-Biedl syndrome 12 (BBS12). Identifiers: Orphanet 110, MedGen C1859570, MONDO:0014440, OMIM 615989.

Submissions (2):

Genetic Services Laboratory, University of Chicago
Classification: Likely pathogenic. Last evaluated: 2023-11-09. Review status: criteria provided, single submitter. Criteria: ACMG Guidelines, 2015. Collection method: clinical testing. Allele origin: germline. Affected: yes.
Comment: DNA sequence analysis of the BBS12 gene demonstrated a two base pair deletion in exon 2, c.719_720del. This likely pathogenic sequence change results in an amino acid frameshift and creates a premature stop codon two amino acids downstream of the change, p.Thr240Argfs*2. This sequence change is predicted to result in an abnormal transcript, which may be degraded, or may lead to the production of a truncated BBS12 protein with potentially abnormal function. The c.719_720del sequence change has not been described in the population databases such as ExAC and gnomAD. While this sequence change has not previously been described in the literature, other truncating variants downstream of this sequence change in the BBS12 gene have been described in several individuals with BBS12-related disorders [PMID: 23591405, 17160889, 36325687]. These collective evidences indicate that this sequence change is likely pathogenic.

Baylor Genetics
Classification: Likely pathogenic for Bardet-Biedl syndrome 12. Last evaluated: 2023-09-02. Review status: criteria provided, single submitter. Criteria: ACMG Guidelines, 2015. Collection method: clinical testing. Allele origin: unknown.

NM_152618.3(BBS12):c.719_720del (p.Thr240fs)

Gene: BBS12 (Bardet-Biedl syndrome 12; plus strand). Cytogenetic location: 4q27.
Variant type: Deletion.
Coding change: c.719_720del on transcript NM_152618.3 (MANE Select); coding-DNA positions 719 to 720, 2 bases deleted (CA; older notation c.719_720delCA).
Protein change: p.Thr240fs; shifts the reading frame from threonine 240.
Molecular consequence: frameshift variant.
Genome position (GRCh38, 1-based): chr4:122,742,611-122,742,612, CA deleted; deleting any 2 consecutive bases within chr4:122,742,610-122,742,612 gives the same sequence; the c. name uses the placement nearest the transcript's 3' end. VCF-style (leftmost placement, unchanged base first): chr4-122742609-GAC-G. GRCh37 (hg19) VCF-style: chr4-123663764-GAC-G.
Other names: c.719_720del, p.Thr240fs (NM_001178007.2); short protein forms T240fs.
Identifiers: ClinVar variation 2679989 (VCV002679989.3), dbSNP rs2485073468, ClinGen allele CA2695198525.